The following is an entry in ClinVar:

ClinVar aggregate classification (germline): Uncertain significance. Review status: criteria provided, multiple submitters, no conflicts (2 of 4 stars). 5 submissions from 5 submitters: Uncertain significance (4). 1 of the submissions does not count toward it. Last evaluated 2024-02-19.

Conditions:
Autosomal recessive limb-girdle muscular dystrophy type 2A (LGMDR1). Also called: LEYDEN-MOEBIUS MUSCULAR DYSTROPHY; MUSCULAR DYSTROPHY, PELVOFEMORAL; Limb-girdle muscular dystrophy, type 2A; Calpainopathy; Muscular dystrophy, limb-girdle, type 2A, Amish. Identifiers: Orphanet 267, MedGen C1869123, MONDO:0009675, OMIM 253600. Disease mechanism: loss of function.

Allele frequency attached by ClinVar (database versions not stated): gnomAD 0.00001; gnomAD exomes 0.00001.

Submissions (5):

Revvity Omics, Revvity
Classification: Uncertain significance. Last evaluated: 2024-02-19. Review status: criteria provided, single submitter. Criteria: ACMG Guidelines, 2015. Collection method: clinical testing. Allele origin: germline.

Labcorp Genetics (formerly Invitae), Labcorp
Classification: Uncertain significance for Autosomal recessive limb-girdle muscular dystrophy type 2A. Last evaluated: 2021-08-13. Review status: criteria provided, single submitter. Criteria: Invitae Variant Classification Sherloc (09022015). Collection method: clinical testing. Allele origin: germline.
Comment: This sequence change replaces glutamic acid with lysine at codon 257 of the CAPN3 protein (p.Glu257Lys). The glutamic acid residue is highly conserved and there is a small physicochemical difference between glutamic acid and lysine. This variant is not present in population databases (ExAC no frequency). This missense change has been observed in individual(s) with clinical features of CAPN3-related conditions (PMID: 30564623). ClinVar contains an entry for this variant (Variation ID: 497796). Algorithms developed to predict the effect of missense changes on protein structure and function (SIFT, PolyPhen-2, Align-GVGD) all suggest that this variant is likely to be tolerated. In summary, the available evidence is currently insufficient to determine the role of this variant in disease. Therefore, it has been classified as a Variant of Uncertain Significance.

Eurofins Ntd Llc (ga)
Classification: Uncertain significance. Last evaluated: 2016-10-18. Review status: criteria provided, single submitter. Criteria: EGL Classification Definitions 2015. Collection method: clinical testing. Allele origin: germline. Observed: 1 variant allele, 1 heterozygote.

Neuberg Centre For Genomic Medicine, NCGM
Classification: Uncertain significance for Autosomal recessive limb-girdle muscular dystrophy type 2A. Review status: criteria provided, single submitter. Criteria: ACMG Guidelines, 2015. Collection method: clinical testing. Allele origin: germline. Inheritance: Autosomal recessive inheritance. Affected: yes.
Comment: The missense variant c.769G>Ap.Glu257Lys in CAPN3 gene has not been reported previously as a pathogenic variant nor as a benign variant, to our knowledge. The p.Glu257Lys variant is novel not in any individuals in 1000 Genomes and has allele frequency of 0.0008% in gnomAD exomes database. This variant has been reported to the ClinVar database as Uncertain Significance. The amino acid change p.Glu257Lys in CAPN3 is predicted as conserved by GERP++ and PhyloP across 100 vertebrates. The amino acid Glu at position 257 is changed to a Lys changing protein sequence and it might alter its composition and physico-chemical properties. For these reasons, this variant has been classified as Uncertain Significance VUS. In the absence of another reportable variant in CAPN3 gene, the molecular diagnosis is not confirmed.

Natera, Inc.
Classification: Uncertain significance for Limb-girdle muscular dystrophy type 2A. Last evaluated: 2020-09-16. Review status: no assertion criteria provided. Collection method: clinical testing. Allele origin: germline. Not counted in ClinVar's aggregate classification.

Literature cited by the submitters: PubMed 30564623 (cited by Labcorp Genetics (formerly Invitae), Labcorp).

NM_000070.3(CAPN3):c.769G>A (p.Glu257Lys)

Gene: CAPN3 (calpain 3; plus strand). Cytogenetic location: 15q15.1.
Variant type: single nucleotide variant.
Coding change: c.769G>A on transcript NM_000070.3 (MANE Select); coding-DNA position 769, G replaced by A.
Protein change: p.Glu257Lys; replaces glutamic acid 257 with lysine.
Molecular consequence: missense variant.
Genome position (GRCh38, 1-based): chr15:42,389,064, G>A. VCF-style: chr15-42389064-G-A. GRCh37 (hg19) VCF-style: chr15-42681262-G-A.
Other names: c.769G>A, p.Glu257Lys (NM_024344.2, NM_173087.2); short protein forms E257K.
Identifiers: ClinVar variation 497796 (VCV000497796.10), dbSNP rs1368398872, ClinGen allele CA391998344.